The following is an entry in ClinVar:

ClinVar aggregate classification (germline): Uncertain significance (1 of 4 stars; one submission).

gnomAD v4.1: 2 of 1,613,820 alleles (0.00012%); highest among the groups gnomAD compares: Non-Finnish European, 0.00017%; no homozygotes.

Submission:

Ambry Genetics
Classification: Uncertain significance. Last evaluated: 2025-03-02. Review status: criteria provided, single submitter. Criteria: Ambry Variant Classification Scheme 2023. Collection method: clinical testing. Allele origin: germline.
Comment: The p.I358M variant (also known as c.1074A>G), located in coding exon 8 of the RINT1 gene, results from an A to G substitution at nucleotide position 1074. The isoleucine at codon 358 is replaced by methionine, an amino acid with highly similar properties. This amino acid position is conserved. In addition, this alteration is predicted to be tolerated by in silico analysis. Based on the available evidence, the clinical significance of this variant remains unclear.

NM_021930.6(RINT1):c.1074A>G (p.Ile358Met)

Gene: RINT1 (RAD50 interactor 1; plus strand). Cytogenetic location: 7q22.3.
Variant type: single nucleotide variant.
Coding change: c.1074A>G on transcript NM_021930.6 (MANE Select); coding-DNA position 1074, A replaced by G.
Protein change: p.Ile358Met; replaces isoleucine 358 with methionine.
Molecular consequence: missense variant. On other transcripts: non-coding transcript variant (1).
Genome position (GRCh38, 1-based): chr7:105,550,132, A>G. VCF-style: chr7-105550132-A-G. GRCh37 (hg19) VCF-style: chr7-105190579-A-G.
Other names: c.840A>G, p.Ile280Met (NM_001346599.2); c.51A>G, p.Ile17Met (NM_001346600.2, NM_001346603.2); c.150A>G, p.Ile50Met (NM_001346601.2); short protein forms I280M, I17M, I358M, I50M.
Identifiers: ClinVar variation 3789197 (VCV003789197.1).